The following is an entry in ClinVar:

ClinVar aggregate classification (germline): Conflicting classifications of pathogenicity. Review status: criteria provided, conflicting classifications (1 of 4 stars). 12 submissions from 12 submitters: Pathogenic (6); Likely pathogenic (2); Uncertain significance (1). 3 of the submissions do not count toward it. Last evaluated 2026-02-20.

Conditions:
VEXAS syndrome. Identifiers: Orphanet 596753, MedGen C5435753, MONDO:0026777, OMIM 301054.
VEXAS.
UBA1-related disorder. Also called: UBA1-related condition.
Inborn genetic diseases. Identifiers: MedGen C0950123, MeSH D030342.
Infantile-onset X-linked spinal muscular atrophy. Also called: Spinal Muscular Atrophy, X-Linked Infantile; SPINAL MUSCULAR ATROPHY, X-LINKED LETHAL INFANTILE; AMC, DISTAL, X-LINKED; ARTHROGRYPOSIS, X-LINKED, TYPE I; Spinal muscular atrophy, X-linked 2. Identifiers: Orphanet 1145, MedGen C1844934, MONDO:0010532, OMIM 301830.

Submissions (12):

Dasa
Classification: Likely pathogenic. Last evaluated: 2026-02-20. Review status: criteria provided, single submitter. Criteria: DASA Assertion Criteria. Collection method: clinical testing. Allele origin: germline.
Comment: NM_003334.4(UBA1):c.121A>G (p.Met41Val) is a missense variant that results in the substitution of methionine with valine. The affected residue or protein region has prior evidence supporting clinical relevance. This variant has been recurrently observed in individuals with UBA1-related disorders (PMID: 38538102; PMID: 34632574; PMID: 34048852; PMID: 36038944; PMID: 35986821). Functional evidence supports an impact on the gene or gene product (PMID: 38538102; PMID: 34632574; PMID: 34048852; PMID: 36038944; PMID: 35986821). Also, this variant is rare in population databases. Based on the currently available evidence, this variant is classified as likely pathogenic.

Labcorp Genetics (formerly Invitae), Labcorp
Classification: Uncertain significance for Infantile-onset X-linked spinal muscular atrophy. Last evaluated: 2025-12-14. Review status: criteria provided, single submitter. Criteria: Invitae Variant Classification Sherloc (09022015). Collection method: clinical testing. Allele origin: germline.
Comment: This sequence change replaces methionine, which is neutral and non-polar, with valine, which is neutral and non-polar, at codon 41 of the UBA1 protein (p.Met41Val). This variant is not present in population databases (gnomAD no frequency). This variant has been reported as a recurrent somatic variant in individuals with VEXAS syndrome (PMID: 33108101, 33789873), but has not been reported as a germline variant. ClinVar contains an entry for this variant (Variation ID: 836983). An algorithm developed to predict the effect of missense changes on protein structure and function (PolyPhen-2) suggests that this variant is likely to be tolerated. Experimental studies have shown that this missense change affects UBA1 function (PMID: 33108101). In summary, the available evidence is currently insufficient to determine the role of this variant in disease. Therefore, it has been classified as a Variant of Uncertain Significance.

Blueprint Genetics
Classification: Pathogenic for UBA1-related disorders. Last evaluated: 2024-08-05. Review status: criteria provided, single submitter. Criteria: ACMG Guidelines, 2015. Collection method: clinical testing. Allele origin: germline. Affected: yes. Observed: 5 variant alleles.

PreventionGenetics, part of Exact Sciences
Classification: Pathogenic for UBA1-related condition. Last evaluated: 2023-05-10. Review status: criteria provided, single submitter. Criteria: ACMG Guidelines, 2015. Collection method: clinical testing. Allele origin: germline.
Comment: The UBA1 c.121A>G variant is predicted to result in the amino acid substitution p.Met41Val. This variant has been reported as a post-zygotic mosaic substitution in multiple individuals with VEXAS (vacuoles, E1 enzyme, X-linked, autoinflammatory, somatic) syndrome, and the majority of reported patients have harbored mosaic variants affecting this residue (p.Met41Val, pMet41Thr, p.Met41Leu) (Beck et al. 2020. PubMed ID: 33108101; Poulter et al. 2021. PubMed ID: 33690815). The c.121A>G (p.Met41Val) variant is absent from a large general population database, indicating it is rare. This variant is classified as pathogenic for somatic VEXAS syndrome; however, the classification of this variant related to infantile spinal muscular atrophy is uncertain at this time due to the absence of conclusive functional and genetic evidence.

Johns Hopkins Genomics, Johns Hopkins University
Classification: Pathogenic for VEXAS syndrome. Last evaluated: 2023-03-13. Review status: criteria provided, single submitter. Criteria: ACMG Guidelines, 2015. Collection method: clinical testing. Allele origin: somatic.
Comment: This UBA1 variant (rs1936307795) is absent from a large population dataset and has been reported in ClinVar. This variant has been reported as a somatic alteration in several unrelated individuals with VEXAS syndrome. Two other alterations at the same codon, p.Met41Leu and p.Met41Thr, have also been reported as somatic variants in individuals with VEXAS syndrome. Experimental studies in HEK293 cells and patient monocytes demonstrated a loss of the cytoplasmic protein isoform (UBA1b) and upregulation of pro-inflammatory gene expression. Bioinformatic analysis predicts that this missense variant would not affect normal exon 3 splicing, although this has not been confirmed experimentally to our knowledge. High variant allele fraction (VAF) for VEXAS-associated somatic UBA1 variants has been reported. We consider c.121A>G (p.Met41Val) to be pathogenic for VEXAS syndrome.

CeGaT Center for Human Genetics Tuebingen
Classification: Pathogenic. Last evaluated: 2023-01-01. Review status: criteria provided, single submitter. Criteria: CeGaT Center For Human Genetics Tuebingen Variant Classification Criteria Version 2. Collection method: clinical testing. Allele origin: germline. Affected: yes. Observed: 1 variant allele.
Comment: UBA1: PM1:Strong, PS2, PM2, PP4:Moderate

MGZ Medical Genetics Center
Classification: Likely pathogenic for VEXAS syndrome. Last evaluated: 2022-06-20. Review status: criteria provided, single submitter. Criteria: ACMG Guidelines, 2015. Collection method: clinical testing. Allele origin: germline. Affected: yes. Observed: 1 variant allele.
Comment: ACMG criteria applied: PS3_MOD, PS4_MOD, PM5, PM2_SUP, PP4

Ambry Genetics
Classification: Pathogenic for Inborn genetic diseases. Last evaluated: 2022-02-09. Review status: criteria provided, single submitter. Criteria: Ambry Variant Classification Scheme 2023. Collection method: clinical testing. Allele origin: germline.
Comment: The p.M41V pathogenic mutation (also known as c.121A>G), located in coding exon 2 of the UBA1 gene, results from an A to G substitution at nucleotide position 121. The methionine at codon 41 is replaced by valine, an amino acid with highly similar properties. This variant has been reported to occur as a somatic alteration in several men with VEXAS syndrome (Beck DB et al. N Engl J Med, 2020 12;383:2628-2638; Horton RK et al. Blood, 2021 10;138:1378; Li P et al. Blood Adv, 2022 Jan;6:405-409). This amino acid position is highly conserved in available vertebrate species. Two other alterations at the same codon, p.Met41Leu (c.121A>C) and p.Met41Thr (c.122T>C), have also been reported as somatic variants in individuals with VEXAS syndrome (Beck DB et al. N Engl J Med, 2020 12;383:2628-2638; Li P et al. Blood Adv, 2022 Jan;6:405-409). In addition, this alteration is predicted to be deleterious by in silico analysis. Based on the supporting evidence, this variant is expected to be causative of VEXAS syndrome; however, its clinical significance for UBA1-related X-linked infantile spinal muscular atrophy is unclear.

GeneDx
Classification: Pathogenic. Last evaluated: 2022-02-09. Review status: criteria provided, single submitter. Criteria: GeneDx Variant Classification Process June 2021. Collection method: clinical testing. Allele origin: germline. Affected: yes.
Comment: Published functional studies demonstrate that variants altering the M41 codon disrupted translation and production of the cytoplasmic isoform, leading to the upregulation of pro-inflammatory gene expression (Beck et al., 2020); Not observed in large population cohorts (gnomAD); Missense variants in this gene are often considered pathogenic (HGMD); This variant is associated with the following publications: (PMID: 33881233, 33779074, 33789873, 33690815, 33108101, 27535533)

OMIM
Classification: Pathogenic for VEXAS SYNDROME, SOMATIC. Last evaluated: 2023-02-06. Review status: no assertion criteria provided. Collection method: literature only. Allele origin: somatic. Not counted in ClinVar's aggregate classification.

Undiagnosed Diseases Network, NIH
Classification: Pathogenic for VEXAS syndrome. Last evaluated: 2022-08-03. Review status: no assertion criteria provided. Collection method: clinical testing. Allele origin: de novo. Affected: yes. Observed: 1 variant allele, 1 heterozygote. Study: Undiagnosed Diseases Network (NIH), UDN. Not counted in ClinVar's aggregate classification.

Inflammatory Disease Section/Clinical Genetics Service, National Human Genome Research Institute
Classification: Pathogenic for VEXAS. Last evaluated: 2020-10-01. Review status: no assertion criteria provided. Collection method: research. Allele origin: somatic. Affected: yes. Not counted in ClinVar's aggregate classification.

Literature cited by the submitters: PubMed 38538102 (cited by Dasa); PubMed 34632574 (cited by Dasa); PubMed 34048852 (cited by 3 submitters); PubMed 36038944 (cited by Dasa and Johns Hopkins Genomics, Johns Hopkins University); PubMed 35986821 (cited by Dasa); PubMed 33690815 (cited by Dasa and OMIM); PubMed 35793467 (cited by 3 submitters); PubMed 33108101 (cited by 6 submitters); PubMed 36762418 (cited by Dasa); PubMed 34649277 (cited by Dasa and Ambry Genetics); PubMed 33789873 (cited by Dasa and Labcorp Genetics (formerly Invitae), Labcorp); PubMed 40373178 (cited by Dasa); PubMed 36662445 (cited by Johns Hopkins Genomics, Johns Hopkins University); PubMed 34647982 (cited by Ambry Genetics).

NM_003334.4(UBA1):c.121A>G (p.Met41Val)

Genes: UBA1 (ubiquitin like modifier activating enzyme 1; plus strand), LOC126863253 (CDK7 strongly-dependent group 2 enhancer GRCh37_chrX:47057593-47058792; plus strand). Cytogenetic location: Xp11.3.
Variant type: single nucleotide variant.
Coding change: c.121A>G on transcript NM_003334.4 (MANE Select); coding-DNA position 121, A replaced by G.
Protein change: p.Met41Val; replaces methionine 41 with valine.
Molecular consequence: missense variant.
Genome position (GRCh38, 1-based): chrX:47,199,051, A>G. VCF-style: chrX-47199051-A-G. GRCh37 (hg19) VCF-style: chrX-47058450-A-G.
Other names: p.M41V; p.Met41Val; c.121A>G, p.Met41Val (NM_153280.3); short protein forms M41V.
Identifiers: ClinVar variation 836983 (VCV000836983.58), dbSNP rs1936307795, ClinGen allele CA412786635.
Genomic context (GRCh38, chrX:47,199,051, plus strand): 5'-TATCCATGCTCCACTCCTGTGTGTCTCCCTAAACTTGTTCTTTTCCTCTATTCCTAGGGA[A>G]TGGCCAAGAACGGCAGTGAAGCAGACATAGACGAGGGCCTTTACTCCCGGCAGCTGTAAG-3'
Protein context (NP_003325.2, residues 31-51): SEVPSVPTNG[Met41Val]AKNGSEADID